The following is an entry in ClinVar:

ClinVar aggregate classification (germline): Pathogenic (1 of 4 stars; one submission).

Conditions:
Mowat-Wilson syndrome (MOWS). Also called: Classic Mowat-Wilson Syndrome. Identifiers: Orphanet 2152, MedGen C1856113, MONDO:0009341, OMIM 235730.

Submission:

Labcorp Genetics (formerly Invitae), Labcorp
Classification: Pathogenic for Mowat-Wilson syndrome. Last evaluated: 2021-11-28. Review status: criteria provided, single submitter. Criteria: Invitae Variant Classification Sherloc (09022015). Collection method: clinical testing. Allele origin: germline.
Comment: This variant has not been reported in the literature in individuals affected with ZEB2-related conditions. This variant is not present in population databases (gnomAD no frequency). This sequence change creates a premature translational stop signal (p.Ser916Valfs*14) in the ZEB2 gene. It is expected to result in an absent or disrupted protein product. Loss-of-function variants in ZEB2 are known to be pathogenic (PMID: 16053902). For these reasons, this variant has been classified as Pathogenic.

Literature cited by the submitters: PubMed 16053902.

NM_014795.4(ZEB2):c.2745del (p.Ser916fs)

Gene: ZEB2 (zinc finger E-box binding homeobox 2; minus strand). Cytogenetic location: 2q22.3.
Variant type: Deletion.
Coding change: c.2745del on transcript NM_014795.4 (MANE Select); coding-DNA position 2745, one base deleted (C; older notation c.2745delC).
Protein change: p.Ser916fs; shifts the reading frame from serine 916.
Molecular consequence: frameshift variant.
Genome position (GRCh38, 1-based): chr2:144,398,442, G deleted on the plus strand (C on the coding strand, the reverse complement: ZEB2 is on the minus strand); the first of 2 consecutive G bases (chr2:144,398,442-144,398,443); deleting either gives the same sequence. VCF-style (leftmost placement, unchanged base first): chr2-144398441-TG-T. GRCh37 (hg19) VCF-style: chr2-145156008-TG-T.
Other names: c.2673del, p.Ser892fs (NM_001171653.2); short protein forms S892fs, S916fs.
Identifiers: ClinVar variation 1377334 (VCV001377334.6), dbSNP rs2149876398, ClinGen allele CA2573133270.